The following is an entry in ClinVar:

NM_000138.5(FBN1):c.5850A>G (p.Thr1950=)

Gene: FBN1 (fibrillin 1; minus strand). Cytogenetic location: 15q21.1.
Variant type: single nucleotide variant.
Coding change: c.5850A>G on transcript NM_000138.5 (MANE Select); coding-DNA position 5850, A replaced by G.
Protein change: p.Thr1950=; no amino-acid change (threonine 1950 retained).
Molecular consequence: synonymous variant.
Genome position (GRCh38, 1-based): chr15:48,445,443, T>C on the plus strand (A>G on the coding strand, the complement: FBN1 is on the minus strand). VCF-style: chr15-48445443-T-C. GRCh37 (hg19) VCF-style: chr15-48737640-T-C.
Identifiers: ClinVar variation 918963 (VCV000918963.9), dbSNP rs2043151355, ClinGen allele CA490022525.

ClinVar aggregate classification (germline): Likely benign. Review status: criteria provided, multiple submitters, no conflicts (2 of 4 stars). 4 submissions from 4 submitters: Likely benign (3). 1 of the submissions does not count toward it. Last evaluated 2023-11-30.

Conditions:
Familial thoracic aortic aneurysm and aortic dissection (TAAD). Also called: Thoracic aortic aneurysms and dissections. Identifiers: Orphanet 91387, MedGen C4707243, MONDO:0019625.
Marfan syndrome (MFS). Also called: Marfan syndrome, classic; Marfan syndrome type 1; Marfan's syndrome; FBN1-Related Marfan Syndrome; MARFAN SYNDROME, TYPE I. Identifiers: Orphanet 284963, Orphanet 558, MedGen C0024796, MONDO:0007947, OMIM 154700.
FBN1-related disorder. Also called: FBN1-related disorders.

Submissions (4):

All of Us Research Program, National Institutes of Health
Classification: Likely benign for Marfan syndrome. Last evaluated: 2023-11-30. Review status: criteria provided, single submitter. Criteria: ACMG Guidelines, 2015. Collection method: clinical testing. Allele origin: germline. Inheritance: Autosomal dominant inheritance. Observed: 2 variant alleles, 2 heterozygotes.
Comment: This study involves interpretation of variants in research participants for the purpose of population health screening. Participant phenotype was not available at the time of variant classification. Additional details can be found in publication PMID: 35346344, PMCID: PMC8962531

Labcorp Genetics (formerly Invitae), Labcorp
Classification: Likely benign for Marfan syndrome; Familial thoracic aortic aneurysm and aortic dissection. Last evaluated: 2022-02-08. Review status: criteria provided, single submitter. Criteria: Invitae Variant Classification Sherloc (09022015). Collection method: clinical testing. Allele origin: germline.

Color Diagnostics, LLC DBA Color Health
Classification: Likely benign for Familial thoracic aortic aneurysm and aortic dissection. Last evaluated: 2018-12-13. Review status: criteria provided, single submitter. Criteria: ACMG Guidelines, 2015. Collection method: clinical testing. Allele origin: germline.

PreventionGenetics, part of Exact Sciences
Classification: Likely benign for FBN1-related condition. Last evaluated: 2023-09-22. Review status: no assertion criteria provided. Collection method: clinical testing. Allele origin: germline. Not counted in ClinVar's aggregate classification.
Comment: This variant is classified as likely benign based on ACMG/AMP sequence variant interpretation guidelines (Richards et al. 2015 PMID: 25741868, with internal and published modifications).